The following is an entry in ClinVar:

NM_005876.5(SPEG):c.8645C>T (p.Pro2882Leu)

Genes: ASIC4-AS1 (ASIC4 antisense RNA 1; minus strand), SPEG (striated muscle enriched protein kinase; plus strand). Cytogenetic location: 2q35.
Variant type: single nucleotide variant.
Coding change: c.8645C>T on transcript NM_005876.5 (MANE Select); coding-DNA position 8645, C replaced by T.
Protein change: p.Pro2882Leu; replaces proline 2882 with leucine.
Molecular consequence: missense variant.
Genome position (GRCh38, 1-based): chr2:219,489,663, C>T. VCF-style: chr2-219489663-C-T. GRCh37 (hg19) VCF-style: chr2-220354385-C-T.
Other names: c.8645C>T (NM_005876.4); short protein forms P2882L.
Identifiers: ClinVar variation 1923214 (VCV001923214.5), dbSNP rs753956964, ClinGen allele CA2127540.

ClinVar aggregate classification (germline): Uncertain significance. Review status: criteria provided, multiple submitters, no conflicts (2 of 4 stars). 2 submissions from 2 submitters: Uncertain significance (2). Last evaluated 2024-09-24.

Conditions:
Inborn genetic diseases. Identifiers: MedGen C0950123, MeSH D030342.

Allele frequency attached by ClinVar (database versions not stated): gnomAD exomes below 0.00001; ExAC 0.00001; gnomAD 0.00001; TOPMed 0.00001.
gnomAD v4.1: 10 of 1,613,906 alleles (0.00062%); highest among the groups gnomAD compares: Non-Finnish European, 0.00068%; no homozygotes.

Submissions (2):

Ambry Genetics
Classification: Uncertain significance for Inborn genetic diseases. Last evaluated: 2024-09-24. Review status: criteria provided, single submitter. Criteria: Ambry Variant Classification Scheme 2023. Collection method: clinical testing. Allele origin: germline.

Labcorp Genetics (formerly Invitae), Labcorp
Classification: Uncertain significance. Last evaluated: 2022-05-07. Review status: criteria provided, single submitter. Criteria: Invitae Variant Classification Sherloc (09022015). Collection method: clinical testing. Allele origin: germline.
Comment: In summary, the available evidence is currently insufficient to determine the role of this variant in disease. Therefore, it has been classified as a Variant of Uncertain Significance. Algorithms developed to predict the effect of missense changes on protein structure and function output the following: SIFT: "Tolerated"; PolyPhen-2: "Benign"; Align-GVGD: "Class C0". The leucine amino acid residue is found in multiple mammalian species, which suggests that this missense change does not adversely affect protein function. This variant has not been reported in the literature in individuals affected with SPEG-related conditions. This variant is present in population databases (rs753956964, gnomAD 0.002%). This sequence change replaces proline, which is neutral and non-polar, with leucine, which is neutral and non-polar, at codon 2882 of the SPEG protein (p.Pro2882Leu).